The following is an entry in ClinVar:

ClinVar aggregate classification (germline): Uncertain significance (1 of 4 stars; one submission).

Conditions:
EGFR-related lung cancer (EGFR). Identifiers: MedGen CN130014.

Submission:

Labcorp Genetics (formerly Invitae), Labcorp
Classification: Uncertain significance for EGFR-related lung cancer. Last evaluated: 2024-12-28. Review status: criteria provided, single submitter. Criteria: Invitae Variant Classification Sherloc (09022015). Collection method: clinical testing. Allele origin: germline.
Comment: This sequence change replaces tryptophan, which is neutral and slightly polar, with arginine, which is basic and polar, at codon 608 of the EGFR protein (p.Trp608Arg). This variant is not present in population databases (gnomAD no frequency). This variant has not been reported in the literature in individuals affected with EGFR-related conditions. ClinVar contains an entry for this variant (Variation ID: 1001187). Invitae Evidence Modeling of protein sequence and biophysical properties (such as structural, functional, and spatial information, amino acid conservation, physicochemical variation, residue mobility, and thermodynamic stability) indicates that this missense variant is not expected to disrupt EGFR protein function with a negative predictive value of 80%. In summary, the available evidence is currently insufficient to determine the role of this variant in disease. Therefore, it has been classified as a Variant of Uncertain Significance.

NM_005228.5(EGFR):c.1822T>A (p.Trp608Arg)

Gene: EGFR (epidermal growth factor receptor; plus strand). Cytogenetic location: 7p11.2.
Variant type: single nucleotide variant.
Coding change: c.1822T>A on transcript NM_005228.5 (MANE Select); coding-DNA position 1822, T replaced by A.
Protein change: p.Trp608Arg; replaces tryptophan 608 with arginine.
Molecular consequence: missense variant.
Genome position (GRCh38, 1-based): chr7:55,165,379, T>A. VCF-style: chr7-55165379-T-A. GRCh37 (hg19) VCF-style: chr7-55233072-T-A.
Other names: c.1687T>A, p.Trp563Arg (NM_001346897.2, NM_001346899.2); c.1822T>A, p.Trp608Arg (NM_001346898.2, NM_201282.2, NM_201284.2); c.1663T>A, p.Trp555Arg (NM_001346900.2); c.1021T>A, p.Trp341Arg (NM_001346941.2); short protein forms W341R, W555R, W563R, W608R.
Identifiers: ClinVar variation 1001187 (VCV001001187.8), dbSNP rs1785920560, ClinGen allele CA367580972.